The following is an entry in ClinVar:

NM_006044.4(HDAC6):c.117C>T (p.Ala39=)

Gene: HDAC6 (histone deacetylase 6; plus strand). Cytogenetic location: Xp11.23.
Variant type: single nucleotide variant.
Coding change: c.117C>T on transcript NM_006044.4 (MANE Select); coding-DNA position 117, C replaced by T.
Protein change: p.Ala39=; no amino-acid change (alanine 39 retained).
Molecular consequence: synonymous variant. On other transcripts: non-coding transcript variant (3).
Genome position (GRCh38, 1-based): chrX:48,802,894, C>T. VCF-style: chrX-48802894-C-T. GRCh37 (hg19) VCF-style: chrX-48661301-C-T.
Other names: c.159C>T, p.Ala53= (NM_001321225.2); c.117C>T, p.Ala39= (NM_001321226.2, NM_001321227.2, NM_001321228.2 and 3 more transcripts).
Identifiers: ClinVar variation 2660469 (VCV002660469.24), dbSNP rs147420530, ClinGen allele CA10404777.

ClinVar aggregate classification (germline): Likely benign (1 of 4 stars; one submission).

Allele frequency attached by ClinVar (database versions not stated): ExAC 0.00011; ESP Exome Variant Server 0.00019; gnomAD exomes 0.00019; gnomAD 0.00020; 1000 Genomes Project 0.00026; 1000 Genomes Project 30x 0.00042.
gnomAD v4.1: 220 of 1,206,216 alleles (0.018%); highest among the groups gnomAD compares: Non-Finnish European, 0.024%; no homozygotes.

Submission:

CeGaT Center for Human Genetics Tuebingen
Classification: Likely benign. Last evaluated: 2022-03-01. Review status: criteria provided, single submitter. Criteria: CeGaT Center For Human Genetics Tuebingen Variant Classification Criteria Version 2. Collection method: clinical testing. Allele origin: germline. Affected: yes. Observed: 1 variant allele.
Comment: HDAC6: BP4, BP7